The following is an entry in ClinVar:

NM_001903.5(CTNNA1):c.770A>G (p.Asn257Ser)

Gene: CTNNA1 (catenin alpha 1; plus strand). Cytogenetic location: 5q31.2.
Variant type: single nucleotide variant.
Coding change: c.770A>G on transcript NM_001903.5 (MANE Select); coding-DNA position 770, A replaced by G.
Protein change: p.Asn257Ser; replaces asparagine 257 with serine.
Molecular consequence: missense variant.
Genome position (GRCh38, 1-based): chr5:138,824,711, A>G. VCF-style: chr5-138824711-A-G. GRCh37 (hg19) VCF-style: chr5-138160400-A-G.
Other names: c.770A>G, p.Asn257Ser (NM_001290307.3, NM_001323982.2, NM_001323983.1 and 3 more transcripts); c.461A>G, p.Asn154Ser (NM_001290309.3); c.401A>G, p.Asn134Ser (NM_001290310.3); short protein forms N257S, N134S, N154S.
Identifiers: ClinVar variation 696981 (VCV000696981.20), dbSNP rs78627784, ClinGen allele CA3431554.
Genomic context (GRCh38, chr5:138,824,711, plus strand): 5'-ATAAGGCCAACAGGGACCTGATATACAAGCAGCTGCAGCAGGCGGTCACAGGCATTTCCA[A>G]TGCAGCCCAGGCCACTGCCTCAGACGATGCCTCACAGCACCAGGGTGGAGGAGGAGGAGA-3'
Protein context (NP_001894.2, residues 247-267): QLQQAVTGIS[Asn257Ser]AAQATASDDA

ClinVar aggregate classification (germline): Benign/Likely benign. Review status: criteria provided, multiple submitters, no conflicts (2 of 4 stars). 7 submissions from 7 submitters: Benign (4); Likely benign (3). Last evaluated 2026-07-01.

Conditions:
Hereditary nonpolyposis colon cancer (HNPCC). Also called: Hereditary Nonpolyposis Colorectal Cancer Syndrome; Hereditary nonpolyposis colorectal cancer; Familial nonpolyposis colon cancer. Identifiers: Orphanet 443909, MedGen C1333990, MONDO:0018630. Disease mechanism: loss of function.
Hereditary cancer-predisposing syndrome. Also called: Neoplastic Syndromes, Hereditary; Hereditary neoplastic syndrome; Hereditary Cancer Syndrome; Tumor predisposition. Identifiers: Orphanet 140162, MedGen C0027672, MeSH D009386, MONDO:0015356.
Hereditary diffuse gastric adenocarcinoma (HDGC). Also called: DIFFUSE GASTRIC AND LOBULAR BREAST CANCER SYNDROME. Identifiers: Orphanet 26106, MedGen C1708349, MONDO:0007648, OMIM 137215.

Allele frequency attached by ClinVar (database versions not stated): ESP Exome Variant Server 0.00015; TOPMed 0.00041; 1000 Genomes Project 30x 0.00078; 1000 Genomes Project 0.00100.

Submissions (7):

CeGaT Center for Human Genetics Tuebingen
Classification: Likely benign. Last evaluated: 2026-07-01. Review status: criteria provided, single submitter. Criteria: CeGaT Center For Human Genetics Tuebingen Variant Classification Criteria Version 2. Collection method: clinical testing. Allele origin: germline. Affected: yes. Observed: 1 variant allele.
Comment: CTNNA1: BS1

Labcorp Genetics (formerly Invitae), Labcorp
Classification: Benign. Last evaluated: 2026-02-04. Review status: criteria provided, single submitter. Criteria: Invitae Variant Classification Sherloc (09022015). Collection method: clinical testing. Allele origin: germline.

Center for Genomic Medicine, Rigshospitalet, Copenhagen University Hospital
Classification: Benign. Last evaluated: 2025-12-29. Review status: criteria provided, single submitter. Criteria: ACMG Guidelines, 2015. Collection method: clinical testing. Allele origin: germline.

Blueprint Genetics
Classification: Likely benign. Last evaluated: 2024-11-26. Review status: criteria provided, single submitter. Criteria: ACMG Guidelines, 2015. Collection method: clinical testing. Allele origin: germline.

Myriad Genetics, Inc.
Classification: Benign for Hereditary diffuse gastric adenocarcinoma. Last evaluated: 2024-10-10. Review status: criteria provided, single submitter. Criteria: Myriad Autosomal Dominant, Autosomal Recessive and X-Linked Classification Criteria (2023). Collection method: clinical testing. Allele origin: unknown.
Comment: This variant is considered benign. This variant has been observed at a population frequency that is significantly greater than expected given the associated disease prevalence and penetrance. Homozygosity has been confirmed in one or more individuals. As homozygosity for pathogenic variants in this gene is generally assumed to result in embryonic lethality, this variant is unlikely to be pathogenic.

Department of Pathology and Laboratory Medicine, Sinai Health System
Classification: Likely benign for hereditary nonpolyposis colon cancer. Last evaluated: 2023-10-11. Review status: criteria provided, single submitter. Criteria: ACMG Guidelines, 2015. Collection method: clinical testing. Allele origin: germline. Affected: yes.

Ambry Genetics
Classification: Benign for Hereditary cancer-predisposing syndrome. Last evaluated: 2021-10-29. Review status: criteria provided, single submitter. Criteria: Ambry Variant Classification Scheme 2023. Collection method: clinical testing. Allele origin: germline.

Literature cited by the submitters: PubMed 29330337 (cited by Department of Pathology and Laboratory Medicine, Sinai Health System and Ambry Genetics).